The following is an entry in ClinVar:

NM_001134363.3(RBM20):c.176C>T (p.Pro59Leu)

Gene: RBM20 (RNA binding motif protein 20; plus strand). Cytogenetic location: 10q25.2.
Variant type: single nucleotide variant.
Coding change: c.176C>T on transcript NM_001134363.3 (MANE Select); coding-DNA position 176, C replaced by T.
Protein change: p.Pro59Leu; replaces proline 59 with leucine.
Molecular consequence: missense variant.
Genome position (GRCh38, 1-based): chr10:110,644,630, C>T. VCF-style: chr10-110644630-C-T. GRCh37 (hg19) VCF-style: chr10-112404388-C-T.
Other names: short protein forms P59L.
Identifiers: ClinVar variation 4707779 (VCV004707779.1).

ClinVar aggregate classification (germline): Uncertain significance (1 of 4 stars; one submission).

Conditions:
Dilated cardiomyopathy 1DD (CMD1DD). Identifiers: Orphanet 154, MedGen C2750995, MONDO:0013168, OMIM 613172.

Submission:

Labcorp Genetics (formerly Invitae), Labcorp
Classification: Uncertain significance for Dilated cardiomyopathy 1DD. Last evaluated: 2026-01-26. Review status: criteria provided, single submitter. Criteria: Invitae Variant Classification Sherloc (09022015). Collection method: clinical testing. Allele origin: germline.
Comment: This sequence change replaces proline, which is neutral and non-polar, with leucine, which is neutral and non-polar, at codon 59 of the RBM20 protein (p.Pro59Leu). This variant is not present in population databases (gnomAD no frequency). This variant has not been reported in the literature in individuals affected with RBM20-related conditions. Invitae Evidence Modeling of protein sequence and biophysical properties (such as structural, functional, and spatial information, amino acid conservation, physicochemical variation, residue mobility, and thermodynamic stability) indicates that this missense variant is not expected to disrupt RBM20 protein function with a negative predictive value of 95%. In summary, the available evidence is currently insufficient to determine the role of this variant in disease. Therefore, it has been classified as a Variant of Uncertain Significance.